The following is an entry in ClinVar:

ClinVar aggregate classification (germline): Likely pathogenic. Review status: criteria provided, multiple submitters, no conflicts (2 of 4 stars). 2 submissions from 2 submitters: Likely pathogenic (2). Last evaluated 2026-01-31.

Conditions:
Hereditary cancer-predisposing syndrome. Also called: Neoplastic Syndromes, Hereditary; Tumor predisposition; Hereditary Cancer Syndrome; Hereditary neoplastic syndrome. Identifiers: Orphanet 140162, MedGen C0027672, MeSH D009386, MONDO:0015356.
Cardiovascular phenotype. Identifiers: MedGen CN230736.

Allele frequency attached by ClinVar (database versions not stated): ExAC 0.00001; 1000 Genomes Project 30x 0.00016; 1000 Genomes Project 0.00020.

Submissions (2):

Labcorp Genetics (formerly Invitae), Labcorp
Classification: Likely pathogenic. Last evaluated: 2026-01-31. Review status: criteria provided, single submitter. Criteria: Invitae Variant Classification Sherloc (09022015). Collection method: clinical testing. Allele origin: germline.
Comment: This sequence change affects a donor splice site in intron 1 of the LZTR1 gene. It is expected to disrupt RNA splicing. Variants that disrupt the donor or acceptor splice site typically lead to a loss of protein function (PMID: 16199547), and loss-of-function variants in LZTR1 are known to be pathogenic (PMID: 24362817, 25335493, 25480913, 25795793, 29469822, 30368668, 30442762, 30442766, 30481304, 30859559). This variant is present in population databases (rs573971763, gnomAD 0.003%). This variant has not been reported in the literature in individuals affected with LZTR1-related conditions. ClinVar contains an entry for this variant (Variation ID: 1784228). Algorithms developed to predict the effect of sequence changes on RNA splicing suggest that this variant may disrupt the consensus splice site. In summary, the currently available evidence indicates that the variant is pathogenic, but additional data are needed to prove that conclusively. Therefore, this variant has been classified as Likely Pathogenic.

Ambry Genetics
Classification: Likely pathogenic for Cardiovascular phenotype; Hereditary cancer-predisposing syndrome. Last evaluated: 2025-09-10. Review status: criteria provided, single submitter. Criteria: Ambry Variant Classification Scheme 2023. Collection method: clinical testing. Allele origin: germline.
Comment: The c.200+2T>A intronic variant results from a T to A substitution two nucleotides after coding exon 1 in the LZTR1 gene. This nucleotide position is highly conserved in available vertebrate species. In silico splice site analysis predicts that this alteration will weaken the native splice donor site and will result in the creation or strengthening of a novel splice donor site. RNA studies have demonstrated that this alteration results in abnormal splicing in the set of samples tested (Ambry internal data). Loss-of-function variants in LZTR1 are related to an increased risk for schwannomas and autosomal recessive Noonan syndrome; however, such associations with autosomal dominant Noonan syndrome have not been observed (Piotrowski A et al. Nat Genet. 2014 Feb;46:182-7; Yamamoto GL et al. J Med Genet. 2015 Jun;52:413-21; Johnston JJ et al. Genet Med. 2018 10;20:1175-1185). Based on the supporting evidence, this variant is likely pathogenic for an increased risk of LZTR1-related schwannomatosis (SWN) and would be expected to cause autosomal recessive Noonan syndrome when present along with a second pathogenic or likely pathogenic variant on the other allele; however, the association of this alteration with autosomal dominant Noonan syndrome is unlikely.

Literature cited by the submitters: PubMed 16199547 (cited by Labcorp Genetics (formerly Invitae), Labcorp); PubMed 24362817 (cited by Labcorp Genetics (formerly Invitae), Labcorp); PubMed 25335493 (cited by Labcorp Genetics (formerly Invitae), Labcorp); PubMed 25480913 (cited by Labcorp Genetics (formerly Invitae), Labcorp); PubMed 25795793 (cited by Labcorp Genetics (formerly Invitae), Labcorp); PubMed 29469822 (cited by Labcorp Genetics (formerly Invitae), Labcorp); PubMed 30368668 (cited by Labcorp Genetics (formerly Invitae), Labcorp); PubMed 30442762 (cited by Labcorp Genetics (formerly Invitae), Labcorp); PubMed 30442766 (cited by Labcorp Genetics (formerly Invitae), Labcorp); PubMed 30481304 (cited by Labcorp Genetics (formerly Invitae), Labcorp); PubMed 30859559 (cited by Labcorp Genetics (formerly Invitae), Labcorp).

NM_006767.4(LZTR1):c.200+2T>A

Gene: LZTR1 (leucine zipper like post translational regulator 1; plus strand). Cytogenetic location: 22q11.21.
Variant type: single nucleotide variant.
Coding change: c.200+2T>A on transcript NM_006767.4 (MANE Select); the canonical splice donor site of the intron after coding-DNA position 200, T replaced by A.
Molecular consequence: splice donor variant.
Genome position (GRCh38, 1-based): chr22:20,982,573, T>A. VCF-style: chr22-20982573-T-A. GRCh37 (hg19) VCF-style: chr22-21336862-T-A.
Identifiers: ClinVar variation 1784228 (VCV001784228.4), dbSNP rs573971763, ClinGen allele CA10118293.